The following is an entry in ClinVar:

NM_021956.5(GRIK2):c.1273A>T (p.Thr425Ser)

Gene: GRIK2 (glutamate ionotropic receptor kainate type subunit 2; plus strand). Cytogenetic location: 6q16.3.
Variant type: single nucleotide variant.
Coding change: c.1273A>T on transcript NM_021956.5 (MANE Select); coding-DNA position 1273, A replaced by T.
Protein change: p.Thr425Ser; replaces threonine 425 with serine.
Molecular consequence: missense variant.
Genome position (GRCh38, 1-based): chr6:101,818,439, A>T. VCF-style: chr6-101818439-A-T. GRCh37 (hg19) VCF-style: chr6-102266314-A-T.
Other names: c.1273A>T, p.Thr425Ser (NM_001166247.1, NM_175768.3); short protein forms T425S.
Identifiers: ClinVar variation 4032337 (VCV004032337.9).

ClinVar aggregate classification (germline): Uncertain significance. Review status: criteria provided, multiple submitters, no conflicts (2 of 4 stars). 2 submissions from 2 submitters: Uncertain significance (2). Last evaluated 2025-07-01.

Conditions:
Inborn genetic diseases. Identifiers: MedGen C0950123, MeSH D030342.

gnomAD v4.1: 7 of 1,611,162 alleles (0.00043%); highest among the groups gnomAD compares: Non-Finnish European, 0.00059%; no homozygotes.

Submissions (2):

CeGaT Center for Human Genetics Tuebingen
Classification: Uncertain significance. Last evaluated: 2025-07-01. Review status: criteria provided, single submitter. Criteria: CeGaT Center For Human Genetics Tuebingen Variant Classification Criteria Version 2. Collection method: clinical testing. Allele origin: germline. Affected: yes. Observed: 1 variant allele.
Comment: GRIK2: PM2

Ambry Genetics
Classification: Uncertain significance for Inborn genetic diseases. Last evaluated: 2025-05-23. Review status: criteria provided, single submitter. Criteria: Ambry Variant Classification Scheme 2023. Collection method: clinical testing. Allele origin: germline.